The following is an entry in ClinVar:

ClinVar aggregate classification (germline): Conflicting classifications of pathogenicity. Review status: criteria provided, conflicting classifications (1 of 4 stars). 10 submissions from 10 submitters: Uncertain significance (8); Likely benign (1). 1 of the submissions does not count toward it. Last evaluated 2024-08-15.

Conditions:
Cardiac arrhythmia. Also called: Cardiac rhythm disease; Arrhythmia. Identifiers: MedGen C0003811, MONDO:0007263, HP:0011675.
Familial long QT syndrome (RWS). Also called: Romano-Ward syndrome; VENTRICULAR FIBRILLATION WITH PROLONGED QT INTERVAL; Congenital long QT syndrome. Identifiers: Orphanet 768, MedGen C1141890, MONDO:0019171.
Cardiovascular phenotype. Identifiers: MedGen CN230736.
Short QT syndrome type 1. Identifiers: Orphanet 51083, MedGen C1865020, MONDO:0012312, OMIM 609620.
Long QT syndrome 2 (LQT2). Identifiers: Orphanet 101016, Orphanet 768, MedGen C3150943, MONDO:0013367, OMIM 613688.
Long QT syndrome (LQTS). Identifiers: MedGen C0023976, MeSH D008133, MONDO:0002442. Disease mechanism: loss of function. Inheritance: Various modes of inheritance.

Allele frequency attached by ClinVar (database versions not stated): TOPMed 0.00006; 1000 Genomes Project 30x 0.00047.
gnomAD v4.1: 22 of 1,530,568 alleles (0.0014%); highest among the groups gnomAD compares: East Asian, 0.029%; no homozygotes.

Submissions (10):

GeneDx
Classification: Uncertain significance. Last evaluated: 2024-08-15. Review status: criteria provided, single submitter. Criteria: GeneDx Variant Classification Process June 2021. Collection method: clinical testing. Allele origin: germline. Affected: yes.
Comment: Identified in one individual referred for LQTS genetic testing and in one individual with a normal corrected QT interval who presented with malignant ventricular fibrillation storm (PMID: 19716085, 23338923); In silico analysis indicates that this missense variant does not alter protein structure/function; This variant is associated with the following publications: (PMID: 27761165, 23338923, 26704558, 22581653, 26746457, 34026292, 19716085)

Fulgent Genetics
Classification: Uncertain significance for Short QT syndrome type 1; Long QT syndrome 2. Last evaluated: 2024-06-15. Review status: criteria provided, single submitter. Criteria: ACMG Guidelines, 2015. Collection method: clinical testing. Allele origin: germline.

Color Diagnostics, LLC DBA Color Health
Classification: Uncertain significance for Cardiac arrhythmia. Last evaluated: 2024-05-13. Review status: criteria provided, single submitter. Criteria: ACMG Guidelines, 2015. Collection method: clinical testing. Allele origin: germline.
Comment: This missense variant replaces glycine with glutamic acid at codon 924 of the KCNH2 protein. Computational prediction is inconclusive regarding the impact of this variant on protein structure and function (internally defined REVEL score threshold 0.5 < inconclusive < 0.7, PMID: 27666373). To our knowledge, functional studies have not been performed for this variant. This variant has been reported in an individual affected with long QT syndrome (PMID: 23338923) and in an individual referred for long QT syndrome genetic testing (PMID: 19716085). This variant has been identified in 10/158560 chromosomes in the general population by the Genome Aggregation Database (gnomAD). The available evidence is insufficient to determine the role of this variant in disease conclusively. Therefore, this variant is classified as a Variant of Uncertain Significance.

Labcorp Genetics (formerly Invitae), Labcorp
Classification: Uncertain significance for Long QT syndrome. Last evaluated: 2024-04-05. Review status: criteria provided, single submitter. Criteria: Invitae Variant Classification Sherloc (09022015). Collection method: clinical testing. Allele origin: germline.
Comment: This sequence change replaces glycine, which is neutral and non-polar, with glutamic acid, which is acidic and polar, at codon 924 of the KCNH2 protein (p.Gly924Glu). The frequency data for this variant in the population databases is considered unreliable, as metrics indicate poor data quality at this position in the gnomAD database. This missense change has been observed in individual(s) with clinical features of long QT syndrome (PMID: 19716085, 23338923). ClinVar contains an entry for this variant (Variation ID: 67437). An algorithm developed to predict the effect of missense changes on protein structure and function (PolyPhen-2) suggests that this variant is likely to be disruptive. In summary, the available evidence is currently insufficient to determine the role of this variant in disease. Therefore, it has been classified as a Variant of Uncertain Significance.

Ambry Genetics
Classification: Likely benign for Cardiovascular phenotype. Last evaluated: 2024-02-21. Review status: criteria provided, single submitter. Criteria: Ambry Variant Classification Scheme 2023. Collection method: clinical testing. Allele origin: germline.

3billion
Classification: Uncertain significance for Long QT syndrome 2. Last evaluated: 2024-01-30. Review status: criteria provided, single submitter. Criteria: ACMG Guidelines, 2015. Collection method: clinical testing. Allele origin: germline. Affected: yes.
Comment: The variant is observed at an allele frequency greater than expected for the associated disorder in the gnomAD v2.1.1 dataset and therefore considered benign. Predicted Consequence/Location: Missense changes are a common disease-causing mechanism. Prediction of the variant by In silico tools to alter splicing and produce an abnormal transcript is uncertain [REVEL: 0.58 (damaging >=0.6, benign <0.4), 3Cnet: 0.23 (damaging >=0.6, benign <0.15), Splice AI: 0.15 (spliceogenicity >=0.2, non-spliceogenicity <0.1)]. Same nucleotide change resulting in same amino acid change has been previously reported to be associated with KCNH2 related disorder (ClinVar ID: VCV000067437 /PMID: 19716085).A different missense change at the same codon (p.Gly924Ala) has been reported to be associated with KCNH2 related disorder (PMID: 19716085). However the evidence of pathogenicity is insufficient at this time. Therefore, this variant is classified as VUS according to the recommendation of ACMG/AMP guideline.

All of Us Research Program, National Institutes of Health
Classification: Uncertain significance for Long QT syndrome. Last evaluated: 2023-12-13. Review status: criteria provided, single submitter. Criteria: ACMG Guidelines, 2015. Collection method: clinical testing. Allele origin: germline. Inheritance: Autosomal dominant inheritance. Observed: 5 variant alleles, 5 heterozygotes.
Comment: This missense variant replaces glycine with glutamic acid at codon 924 of the KCNH2 protein. Computational prediction is inconclusive regarding the impact of this variant on protein structure and function (internally defined REVEL score threshold 0.5 < inconclusive < 0.7, PMID: 27666373). To our knowledge, functional studies have not been performed for this variant. This variant has been reported in an individual affected with long QT syndrome (PMID: 23338923) and in an individual referred for long QT syndrome genetic testing (PMID: 19716085). This variant has been identified in 10/158560 chromosomes in the general population by the Genome Aggregation Database (gnomAD). The relatively high frequency of this variant in the general population suggests that this variant is unlikely to be disease-causing. However, additional studies are necessary to determine the role of this variant in disease conclusively. Therefore, this variant is classified as a Variant of Uncertain Significance.

This study involves interpretation of variants in research participants for the purpose of population health screening. Participant phenotype was not available at the time of variant classification. Additional details can be found in publication PMID: 35346344, PMCID: PMC8962531

Blueprint Genetics
Classification: Uncertain significance. Last evaluated: 2023-08-21. Review status: criteria provided, single submitter. Criteria: ACMG Guidelines, 2015. Collection method: clinical testing. Allele origin: germline.

Mendelics
Classification: Uncertain significance for Long QT syndrome 2. Last evaluated: 2019-05-28. Review status: criteria provided, single submitter. Criteria: Mendelics Assertion Criteria 2017. Collection method: clinical testing. Allele origin: unknown.

Cardiovascular Biomedical Research Unit, Royal Brompton & Harefield NHS Foundation Trust
No classification provided. Condition: Familial long QT syndrome. Review status: no classification provided. Collection method: literature only. Allele origin: germline. Not counted in ClinVar's aggregate classification.
Comment: This variant has been reported as associated with Long QT syndrome in the following publications (PMID:19716085). This is a literature report, and does not necessarily reflect the clinical interpretation of the Imperial College / Royal Brompton Cardiovascular Genetics laboratory.

Literature cited by the submitters: PubMed 19716085 (cited by 6 submitters); PubMed 23338923 (cited by 4 submitters); PubMed 34026292 (cited by Ambry Genetics); PubMed 22581653 (cited by Cardiovascular Biomedical Research Unit, Royal Brompton & Harefield NHS Foundation Trust).

NM_000238.4(KCNH2):c.2771G>A (p.Gly924Glu)

Gene: KCNH2 (potassium voltage-gated channel subfamily H member 2; minus strand). Cytogenetic location: 7q36.1.
Variant type: single nucleotide variant.
Coding change: c.2771G>A on transcript NM_000238.4 (MANE Select); coding-DNA position 2771, G replaced by A.
Protein change: p.Gly924Glu; replaces glycine 924 with glutamic acid.
Molecular consequence: missense variant.
Genome position (GRCh38, 1-based): chr7:150,947,800, C>T on the plus strand (G>A on the coding strand, the complement: KCNH2 is on the minus strand). VCF-style: chr7-150947800-C-T. GRCh37 (hg19) VCF-style: chr7-150644888-C-T.
Other names: p.G924E:GGG>GAG; c.2771G>A (LRG_288t1); c.2483G>A, p.Gly828Glu (NM_001406753.1); c.1751G>A, p.Gly584Glu (NM_172057.3); short protein forms G584E, G924E, G828E.
Identifiers: ClinVar variation 67437 (VCV000067437.22), dbSNP rs199473009, ClinGen allele CA007369.